The following is an entry in ClinVar:

ClinVar aggregate classification (germline): Likely benign. Review status: criteria provided, multiple submitters, no conflicts (2 of 4 stars). 2 submissions from 2 submitters: Likely benign (2). Last evaluated 2026-09-01.

Allele frequency attached by ClinVar (database versions not stated): 1000 Genomes Project 30x 0.00219; 1000 Genomes Project 0.00240; TOPMed 0.00300; ESP Exome Variant Server 0.00331; gnomAD 0.00353 and 0.00357; ExAC 0.00357; gnomAD exomes 0.00358.
gnomAD v4.1: 7,322 of 1,613,960 alleles (0.45%); highest among the groups gnomAD compares: Non-Finnish European, 0.53%; 26 homozygotes.

Submissions (2):

CeGaT Center for Human Genetics Tuebingen
Classification: Likely benign. Last evaluated: 2026-09-01. Review status: criteria provided, single submitter. Criteria: CeGaT Center For Human Genetics Tuebingen Variant Classification Criteria Version 2. Collection method: clinical testing. Allele origin: germline. Affected: yes. Observed: 2 variant alleles.
Comment: KIAA0319L: BP4, BS2

Labcorp Genetics (formerly Invitae), Labcorp
Classification: Likely benign. Last evaluated: 2018-01-15. Review status: criteria provided, single submitter. Criteria: Invitae Variant Classification Sherloc (09022015). Collection method: clinical testing. Allele origin: germline.

NM_024874.5(KIAA0319L):c.2329C>T (p.Arg777Trp)

Gene: KIAA0319L (KIAA0319 like; minus strand). Cytogenetic location: 1p34.3.
Variant type: single nucleotide variant.
Coding change: c.2329C>T on transcript NM_024874.5 (MANE Select); coding-DNA position 2329, C replaced by T.
Protein change: p.Arg777Trp; replaces arginine 777 with tryptophan.
Molecular consequence: missense variant.
Genome position (GRCh38, 1-based): chr1:35,449,891, G>A on the plus strand (C>T on the coding strand, the complement: KIAA0319L is on the minus strand). VCF-style: chr1-35449891-G-A. GRCh37 (hg19) VCF-style: chr1-35915492-G-A.
Other names: short protein forms R777W.
Identifiers: ClinVar variation 711665 (VCV000711665.16), dbSNP rs144204083, ClinGen allele CA759407.